The following is an entry in ClinVar:

NM_014915.3(ANKRD26):c.2988G>C (p.Lys996Asn)

Gene: ANKRD26 (ankyrin repeat domain containing 26; minus strand). Cytogenetic location: 10p12.1.
Variant type: single nucleotide variant.
Coding change: c.2988G>C on transcript NM_014915.3 (MANE Select); coding-DNA position 2988, G replaced by C.
Protein change: p.Lys996Asn; replaces lysine 996 with asparagine.
Molecular consequence: missense variant.
Genome position (GRCh38, 1-based): chr10:27,035,462, C>G on the plus strand (G>C on the coding strand, the complement: ANKRD26 is on the minus strand). VCF-style: chr10-27035462-C-G. GRCh37 (hg19) VCF-style: chr10-27324391-C-G.
Other names: c.2985G>C, p.Lys995Asn (NM_001256053.2); short protein forms K995N, K996N.
Identifiers: ClinVar variation 3870771 (VCV003870771.1).

ClinVar aggregate classification (germline): Uncertain significance (1 of 4 stars; one submission).

Conditions:
Inborn genetic diseases. Identifiers: MedGen C0950123, MeSH D030342.

gnomAD v4.1: 1 of 1,613,978 alleles (0.000062%); highest among the groups gnomAD compares: Non-Finnish European, 0.000085%; no homozygotes.

Submission:

Ambry Genetics
Classification: Uncertain significance for Inborn genetic diseases. Last evaluated: 2025-01-25. Review status: criteria provided, single submitter. Criteria: Ambry Variant Classification Scheme 2023. Collection method: clinical testing. Allele origin: germline.
Comment: The p.K996N variant (also known as c.2988G>C), located in coding exon 24 of the ANKRD26 gene, results from a G to C substitution at nucleotide position 2988. The lysine at codon 996 is replaced by asparagine, an amino acid with similar properties. This amino acid position is conserved. In addition, this alteration is predicted to be tolerated by in silico analysis. Based on the available evidence, the clinical significance of this variant remains unclear.